The following continues an entry in ClinVar:

NM_000059.4(BRCA2):c.3264dup (p.Gln1089fs)

Gene: BRCA2. ClinVar aggregate classification (germline): Pathogenic. Pathogenic (1).

Submissions 17 to 28 of 28:

Quest Diagnostics Nichols Institute San Juan Capistrano
Classification: Pathogenic. Last evaluated: 2023-09-26. Review status: criteria provided, single submitter. Criteria: Quest Diagnostics criteria. Collection method: clinical testing. Allele origin: unknown. Not counted in ClinVar's aggregate classification.
Comment: The BRCA2 c.3264dup (p.Gln1089Serfs*10) variant alters the translational reading frame of the BRCA2 mRNA and causes the premature termination of BRCA2 protein synthesis. This variant has been reported in the published literature in individuals affected with breast and/or ovarian cancer (PMIDs: 20104584 (2010), 30630528 (2019), 34413315 (2021), 35264596 (2022), 35451682 (2022)), pancreatic ductal adenocarcinoma (PMIDs: 29506128 (2018), 30274973 (2018)), prostate cancer (PMID: 30625039 (2019)), lung adenocarcinoma (PMID: 33858029 (2021)), and medulloblastoma (PMID: 29753700 (2018)). The frequency of this variant in the general population, 0.0002 (6/30610 chromosomes (Genome Aggregation Database)), is consistent with pathogenicity. Based on the available information, this variant is classified as pathogenic.

CeGaT Center for Human Genetics Tuebingen
Classification: Pathogenic. Last evaluated: 2023-02-01. Review status: criteria provided, single submitter. Criteria: CeGaT Center For Human Genetics Tuebingen Variant Classification Criteria Version 2. Collection method: clinical testing. Allele origin: germline. Affected: yes. Observed: 2 variant alleles. Not counted in ClinVar's aggregate classification.
Comment: BRCA2: PVS1, PM2

Sema4
Classification: Pathogenic for Hereditary cancer-predisposing syndrome. Last evaluated: 2021-01-11. Review status: criteria provided, single submitter. Criteria: Sema4 Curation Guidelines. Collection method: curation. Allele origin: germline. Not counted in ClinVar's aggregate classification.
Comment: The BRCA2 c.3264dupT (p.Q1089SfsX10) variant has been reported in individuals with breast, gastric, pancreatic and ovarian cancer, (PMID: 26681312, 29506128). It was also observed as compound heterozygous in at least one case with Fanconi Anemia (PMID: 23613520). This variant causes a frameshift at amino acid 1089 that results in premature termination 10 amino acids downstream. At this location, this is predicted to cause nonsense-mediated decay and result in an absent protein (loss of function). This variant was observed in 6/30610 chromosomes in the Latino population, according to the Genome Aggregation Database (PMID: 27535533). Based on the current evidence available, this variant is interpreted as pathogenic.

Division of Medical Genetics, University of Washington
Classification: Pathogenic for Breast-ovarian cancer, familial, susceptibility to, 2. Last evaluated: 2020-03-07. Review status: criteria provided, single submitter. Criteria: ACMG Guidelines, 2015. Collection method: clinical testing. Allele origin: germline. Affected: no. Study: CSER_CHARM. Not counted in ClinVar's aggregate classification.
Comment: This variant inserts a single nucleotide causing a frameshift at position 1089 which leads to a premature stop codon. This variant is predicted to result in a loss of protein function, which is a well-established mechanism of disease for the BRCA2 gene (Borg 2010). This variant has been observed in many families with breast and/or ovarian cancer, especially families with Spanish ancestry (Diez 2010, de Sanjose 2003, Esteban Cardenosa 2010, Weitzel 2005), and in an individual with Fanconi anemia (Chandrasekharappa 2013). Based on this information, we consider this variant to be pathogenic. PS4-moderate; PVS1

Mendelics
Classification: Pathogenic for Hereditary breast and ovarian cancer syndrome. Last evaluated: 2018-07-02. Review status: criteria provided, single submitter. Criteria: Mendelics Assertion Criteria 2017. Collection method: clinical testing. Allele origin: unknown. Not counted in ClinVar's aggregate classification.

Women's Health and Genetics/Laboratory Corporation of America, LabCorp
Classification: Pathogenic for Hereditary breast ovarian cancer syndrome. Last evaluated: 2016-08-03. Review status: criteria provided, single submitter. Criteria: LabCorp Variant Classification Summary - May 2015. Collection method: clinical testing. Allele origin: germline. Not counted in ClinVar's aggregate classification.
Comment: Variant summary: The BRCA2 c.3264dupT (p.Gln1089Serfs) variant results in a premature termination codon, predicted to cause a truncated or absent BRCA2 protein due to nonsense mediated decay, which are commonly known mechanisms for disease. The variant of interest was not found in controls (ExAC, 1000 Gs or ESP) and has been reported in multiple affected individuals by publications. Multiple reputable databases/clinical laboratories cite the variant as "pathogenic." Therefore, taking all available lines of evidence into consideration, the variant of interest has been classified as Pathogenic.

Consortium of Investigators of Modifiers of BRCA1/2 (CIMBA), c/o University of Cambridge
Classification: Pathogenic for Breast-ovarian cancer, familial, susceptibility to, 2. Last evaluated: 2015-10-02. Review status: criteria provided, single submitter. Criteria: CIMBA Mutation Classification guidelines May 2016. Collection method: clinical testing. Allele origin: germline. Not counted in ClinVar's aggregate classification.

German Consortium for Hereditary Breast and Ovarian Cancer, University Hospital Cologne
Classification: Pathogenic for Ovarian neoplasm. Last evaluated: 2018-12-01. Review status: no assertion criteria provided. Collection method: research. Allele origin: germline. Affected: yes. Not counted in ClinVar's aggregate classification.

Counsyl
Classification: Likely pathogenic for Breast-ovarian cancer, familial 2. Last evaluated: 2014-09-11. Review status: no assertion criteria provided. Collection method: literature only. Allele origin: unknown. Inheritance: Autosomal dominant inheritance. Not counted in ClinVar's aggregate classification.

Research Molecular Genetics Laboratory, Women's College Hospital, University of Toronto
Classification: Pathogenic for Hereditary breast ovarian cancer syndrome. Last evaluated: 2014-01-31. Review status: no assertion criteria provided. Collection method: research. Allele origin: germline. Affected: yes. Study: The Canadian Open Genetics Repository (COGR). Not counted in ClinVar's aggregate classification.

Sharing Clinical Reports Project (SCRP)
Classification: Pathogenic for Breast-ovarian cancer, familial 2. Last evaluated: 2012-12-27. Review status: no assertion criteria provided. Collection method: clinical testing. Allele origin: germline. Not counted in ClinVar's aggregate classification.

Breast Cancer Information Core (BIC) (BRCA2)
Classification: Pathogenic for Breast-ovarian cancer, familial 2. Last evaluated: 2002-05-29. Review status: no assertion criteria provided. Collection method: clinical testing. Allele origin: germline. Affected: yes. Observed: 21 variant alleles. Not counted in ClinVar's aggregate classification.

Literature cited by the submitters: PubMed 11857748 (cited by 5 submitters); PubMed 21548014 (cited by Ambry Genetics); PubMed 23233716 (cited by 5 submitters); PubMed 23613520 (cited by 7 submitters); PubMed 26681312 (cited by 4 submitters); PubMed 28477318 (cited by 3 submitters); PubMed 29506128 (cited by 6 submitters); PubMed 20104584 (cited by 6 submitters); PubMed 12845657 (cited by 4 submitters); PubMed 16030099 (cited by 3 submitters); PubMed 19941167 (cited by 5 submitters); PubMed 20033483 (cited by 5 submitters); PubMed 22426013 (cited by Labcorp Genetics (formerly Invitae), Labcorp); PubMed 24123850 (cited by 3 submitters); PubMed 25136594 (cited by Labcorp Genetics (formerly Invitae), Labcorp); PubMed 11843247 (cited by 4 submitters); PubMed 29446198 (cited by Mayo Clinic Laboratories, Mayo Clinic); PubMed 30274973 (cited by 4 submitters); PubMed 34413315 (cited by Mayo Clinic Laboratories, Mayo Clinic and Quest Diagnostics Nichols Institute San Juan Capistrano); PubMed 35264596 (cited by Mayo Clinic Laboratories, Mayo Clinic and Quest Diagnostics Nichols Institute San Juan Capistrano); PubMed 29053726 (cited by Variantyx, Inc.); PubMed 12065746 (cited by Variantyx, Inc.); PubMed 19241424 (cited by 4 submitters); PubMed 23479189 (cited by 4 submitters); PubMed 12655567 (cited by 3 submitters); PubMed 12955716 (cited by 3 submitters); PubMed 29753700 (cited by 3 submitters); PubMed 30630528 (cited by 3 submitters); PubMed 33471991 (cited by All of Us Research Program, National Institutes of Health and Color Diagnostics, LLC DBA Color Health); PubMed 29907814 (cited by Quest Diagnostics Nichols Institute San Juan Capistrano); PubMed 30625039 (cited by Quest Diagnostics Nichols Institute San Juan Capistrano); PubMed 33858029 (cited by Quest Diagnostics Nichols Institute San Juan Capistrano); PubMed 37310942 (cited by Quest Diagnostics Nichols Institute San Juan Capistrano); PubMed 36397405 (cited by Quest Diagnostics Nichols Institute San Juan Capistrano); PubMed 35451682 (cited by Quest Diagnostics Nichols Institute San Juan Capistrano); PubMed 26295337 (cited by Quest Diagnostics Nichols Institute San Juan Capistrano); PubMed 18704680 (cited by Counsyl).